The following is an entry in ClinVar:

NM_018975.4(TERF2IP):c.636G>C (p.Lys212Asn)

Gene: TERF2IP (TERF2 interacting protein; plus strand). Cytogenetic location: 16q23.1.
Variant type: single nucleotide variant.
Coding change: c.636G>C on transcript NM_018975.4 (MANE Select); coding-DNA position 636, G replaced by C.
Protein change: p.Lys212Asn; replaces lysine 212 with asparagine.
Molecular consequence: missense variant. On other transcripts: non-coding transcript variant (1).
Genome position (GRCh38, 1-based): chr16:75,648,518, G>C. VCF-style: chr16-75648518-G-C. GRCh37 (hg19) VCF-style: chr16-75682416-G-C.
Other names: short protein forms K212N.
Identifiers: ClinVar variation 2447513 (VCV002447513.2), dbSNP rs2507075307, ClinGen allele CA396818333.
Genomic context (GRCh38, chr16:75,648,518, plus strand): 5'-GCATAAGTACCTGCTGGGGGACGCGCCGGTGAGCCCCTCCTCCCAGAAGCTCAAGCGGAA[G>C]GCGGAGGAGGACCCGGAGGCCGCGGATAGCGGGGGTGAGGAGGCTGAGCGCGGGGCCTCG-3'
Protein context (NP_061848.2, residues 202-222): VSPSSQKLKR[Lys212Asn]AEEDPEAADS

ClinVar aggregate classification (germline): Uncertain significance (1 of 4 stars; one submission).

Allele frequency attached by ClinVar (database versions not stated): gnomAD exomes below 0.00001.
gnomAD v4.1: 2 of 1,576,462 alleles (0.00013%); highest among the groups gnomAD compares: Non-Finnish European, 0.00017%; no homozygotes.

Submission:

Ambry Genetics
Classification: Uncertain significance. Last evaluated: 2022-11-23. Review status: criteria provided, single submitter. Criteria: Ambry Variant Classification Scheme 2023. Collection method: clinical testing. Allele origin: germline.
Comment: The p.K212N variant (also known as c.636G>C), located in coding exon 1 of the TERF2IP gene, results from a G to C substitution at nucleotide position 636. The lysine at codon 212 is replaced by asparagine, an amino acid with similar properties. This amino acid position is conserved. In addition, this alteration is predicted to be tolerated by in silico analysis. Since supporting evidence is limited at this time, the clinical significance of this alteration remains unclear.